The following is an entry in ClinVar:

NM_007294.4(BRCA1):c.628C>T (p.Gln210Ter)

Gene: BRCA1 (BRCA1 DNA repair associated; minus strand). Cytogenetic location: 17q21.31.
Variant type: single nucleotide variant.
Coding change: c.628C>T on transcript NM_007294.4 (MANE Select); coding-DNA position 628, C replaced by T.
Protein change: p.Gln210Ter; replaces glutamine 210 with a stop codon.
Molecular consequence: nonsense. On other transcripts: non-coding transcript variant (1).
Genome position (GRCh38, 1-based): chr17:43,095,888, G>A on the plus strand (C>T on the coding strand, the complement: BRCA1 is on the minus strand). VCF-style: chr17-43095888-G-A. GRCh37 (hg19) VCF-style: chr17-41247905-G-A.
Other names: NM_007294.4(BRCA1):c.628C>T; p.Gln210Ter; 747C>T; c.628C>T, p.Gln210Ter (NM_001407582.1, NM_001407583.1, NM_001407585.1 and 59 more transcripts); c.625C>T, p.Gln209Ter (NM_001407587.1, NM_001407590.1, NM_001407591.1 and 41 more transcripts); c.619C>T, p.Gln207Ter (NM_001407646.1, NM_001407647.1, NM_001408408.1); c.550C>T, p.Gln184Ter (NM_001407653.1, NM_001407654.1, NM_001407655.1 and 9 more transcripts); c.547C>T, p.Gln183Ter (NM_001407659.1, NM_001407660.1, NM_001407661.1 and 3 more transcripts); and 7 more; short protein forms Q210X, Q163*, Q162*, Q184*, Q139*, Q82*, Q83*, Q165*.
Identifiers: ClinVar variation 252889 (VCV000252889.22), dbSNP rs879255495, ClinGen allele CA10586117.

ClinVar aggregate classification (germline): Uncertain significance. Review status: reviewed by expert panel (3 of 4 stars). 6 submissions from 6 submitters: Uncertain significance (1). 5 of the submissions do not count toward it. Last evaluated 2025-08-20.

Conditions:
BRCA1-related cancer predisposition. Identifiers: MedGen CN377757, MONDO:0700268.
Hereditary cancer-predisposing syndrome. Also called: Hereditary Cancer Syndrome; Neoplastic Syndromes, Hereditary; Hereditary neoplastic syndrome; Tumor predisposition. Identifiers: Orphanet 140162, MedGen C0027672, MeSH D009386, MONDO:0015356.
Hereditary breast ovarian cancer syndrome. Also called: Hereditary breast and ovarian cancer syndrome (HBOC); Breast and ovarian cancer; Hereditary breast and ovarian cancer syndrome; Hereditary breast and ovarian cancer; BRCA1- and BRCA2-Associated Hereditary Breast and Ovarian Cancer; Hereditary breast and/or ovarian cancer syndrome. Identifiers: Orphanet 145, MedGen C0677776, MeSH D061325, MONDO:0003582. Disease mechanism: loss of function.
Breast-ovarian cancer, familial, susceptibility to, 1 (BROVCA1). Also called: BRCA1 Hereditary Breast and Ovarian Cancer; OVARIAN CANCER, SUSCEPTIBILITY TO. Identifiers: Orphanet 145, MedGen C2676676, MONDO:0011450, OMIM 604370. Disease mechanism: loss of function.

Submissions (6):

ClinGen ENIGMA BRCA1 and BRCA2 Variant Curation Expert Panel, ClinGen
Classification: Uncertain significance for BRCA1-related cancer predisposition. Last evaluated: 2025-08-20. Review status: reviewed by expert panel. Criteria: CSpec BRCA1/2ACMG Rules Specifications V1.2. Collection method: curation. Allele origin: germline. Inheritance: Autosomal dominant inheritance.
Comment: The c.628C>T variant in BRCA1 is predicted to cause a change in the length of the protein due to the insertion of a terminating codon instead of the usual Glutamine at amino acid 210 (p.(Gln210Ter)). This variant is absent from gnomAD v2.1 (exomes only, non-cancer subset, read depth ≥25) and gnomAD v3.1 (non-cancer subset, read depth ≥25) (PM2_Supporting met). This variant has a SpliceAI score of 0.51, predicting an impact on splicing (score threshold ≥0.2). It is predicted to cause skipping of exon 9(10), however this exon is absent from the biologically relevant transcript (PP3 not met). The ENIGMA BRCA1/2 VCEP considered multiple lines of functional and clinical evidence to define exon-specific weights for PTC in BRCA1, and results indicate that no evidence towards pathogenicity may be applied for a PTC variant in BRCA1 exon 9(10) (PVS1_N/A, PM5_N/A (PTC)). In summary, this variant meets the criteria to be classified as a Variant of uncertain significance for BRCA1-related cancer predisposition based on the ACMG/AMP criteria applied as specified by the ENIGMA BRCA1/2 VCEP (PM2_Supporting).

Center for Genomic Medicine, Rigshospitalet, Copenhagen University Hospital
Classification: Uncertain significance. Last evaluated: 2025-03-04. Review status: criteria provided, single submitter. Criteria: ACMG Guidelines, 2015. Collection method: clinical testing. Allele origin: germline. Not counted in ClinVar's aggregate classification.

Ambry Genetics
Classification: Uncertain significance for Hereditary cancer-predisposing syndrome. Last evaluated: 2024-08-19. Review status: criteria provided, single submitter. Criteria: Ambry Variant Classification Scheme 2023. Collection method: clinical testing. Allele origin: germline. Not counted in ClinVar's aggregate classification.
Comment: The p.Q210* variant (also known as c.628C>T), located in coding exon 8 of the BRCA1 gene, results from a C to T substitution at nucleotide position 628. This changes the amino acid from a glutamine to a stop codon within coding exon 8. This alteration was identified in a large, worldwide study of BRCA1/2 mutation positive families (Rebbeck TR et al. Hum Mutat. 2018 May;39(5):593-620). Alterations that result in premature protein truncation are typically deleterious in nature. However, because this alteration occurs in one of the two exons that are absent in an in-frame, partially functional, naturally occurring isoform (&Delta;7_8 which is known in the literature as BRCA1 &Delta;9_10), it has an uncertain impact on pathogenicity (Colombo M et al. Hum. Mol. Genet. 2014 Jul;23:3666-80; Whiley PJ et al. Clin. Chem. 2014 Feb;60:341-52). Since supporting evidence is limited at this time, the clinical significance of this alteration remains unclear.

Labcorp Genetics (formerly Invitae), Labcorp
Classification: Uncertain significance for Hereditary breast ovarian cancer syndrome. Last evaluated: 2023-07-07. Review status: criteria provided, single submitter. Criteria: Invitae Variant Classification Sherloc (09022015). Collection method: clinical testing. Allele origin: germline. Not counted in ClinVar's aggregate classification.
Comment: Studies have shown this premature translational stop signal is associated with skipping of exon 9, but one or more of the resulting mRNA isoform(s) may be naturally occurring (Invitae). In summary, the available evidence is currently insufficient to determine the role of this variant in disease. Therefore, it has been classified as a Variant of Uncertain Significance. ClinVar contains an entry for this variant (Variation ID: 252889). This variant has not been reported in the literature in individuals affected with BRCA1-related conditions. This variant is not present in population databases (gnomAD no frequency). This sequence change creates a premature translational stop signal (p.Gln210*) in the BRCA1 gene. Loss-of-function variants in BRCA1 are expected to be pathogenic (PMID: 20104584). However, an in-frame BRCA1 isoform lacking exons 8 and 9 (also known as exons 9 and 10) is highly expressed in blood from unaffected individuals and in normal breast tissue; this isoform may retain protein function and could functionally rescue loss-of-function variants within exons 8-9 (PMID: 24569164).

Consortium of Investigators of Modifiers of BRCA1/2 (CIMBA), c/o University of Cambridge
Classification: Pathogenic for Breast-ovarian cancer, familial, susceptibility to, 1. Last evaluated: 2015-10-02. Review status: flagged submission. Criteria: CIMBA Mutation Classification guidelines May 2016. Collection method: clinical testing. Allele origin: germline. Not counted in ClinVar's aggregate classification.
ClinVar note: Reason: Claim with insufficient supporting evidence

Sharing Clinical Reports Project (SCRP)
Classification: Pathogenic for Breast-ovarian cancer, familial 1. Last evaluated: 2012-01-17. Review status: flagged submission. Collection method: clinical testing. Allele origin: germline. Not counted in ClinVar's aggregate classification.
ClinVar note: Reason: Claim with insufficient supporting evidence

Literature cited by the submitters: PubMed 22505045 (cited by Center for Genomic Medicine, Rigshospitalet, Copenhagen University Hospital); PubMed 24212087 (cited by Ambry Genetics); PubMed 24569164 (cited by Ambry Genetics and Labcorp Genetics (formerly Invitae), Labcorp); PubMed 27008870 (cited by Ambry Genetics); PubMed 29446198 (cited by Ambry Genetics); PubMed 20104584 (cited by Labcorp Genetics (formerly Invitae), Labcorp).